The following is an entry in ClinVar:

ClinVar aggregate classification (germline): Uncertain significance (1 of 4 stars; one submission).

gnomAD v4.1: 3 of 1,614,048 alleles (0.00019%); highest among the groups gnomAD compares: East Asian, 0.0067%; no homozygotes.

Submission:

Labcorp Genetics (formerly Invitae), Labcorp
Classification: Uncertain significance. Last evaluated: 2024-09-27. Review status: criteria provided, single submitter. Criteria: Invitae Variant Classification Sherloc (09022015). Collection method: clinical testing. Allele origin: germline.
Comment: This sequence change replaces phenylalanine, which is neutral and non-polar, with leucine, which is neutral and non-polar, at codon 300 of the SLC16A1 protein (p.Phe300Leu). This variant is present in population databases (rs746726583, gnomAD 0.02%). This variant has not been reported in the literature in individuals affected with SLC16A1-related conditions. An algorithm developed to predict the effect of missense changes on protein structure and function (PolyPhen-2) suggests that this variant is likely to be tolerated. In summary, the available evidence is currently insufficient to determine the role of this variant in disease. Therefore, it has been classified as a Variant of Uncertain Significance.

NM_003051.4(SLC16A1):c.900C>A (p.Phe300Leu)

Gene: SLC16A1 (solute carrier family 16 member 1; minus strand). Cytogenetic location: 1p13.2.
Variant type: single nucleotide variant.
Coding change: c.900C>A on transcript NM_003051.4 (MANE Select); coding-DNA position 900, C replaced by A.
Protein change: p.Phe300Leu; replaces phenylalanine 300 with leucine.
Molecular consequence: missense variant.
Genome position (GRCh38, 1-based): chr1:112,917,506, G>T on the plus strand (C>A on the coding strand, the complement: SLC16A1 is on the minus strand). VCF-style: chr1-112917506-G-T. GRCh37 (hg19) VCF-style: chr1-113460128-G-T.
Other names: c.900C>A, p.Phe300Leu (NM_001166496.2); short protein forms F300L.
Identifiers: ClinVar variation 3623191 (VCV003623191.2).